The following is an entry in ClinVar:

ClinVar aggregate classification (germline): Conflicting classifications of pathogenicity. Review status: criteria provided, conflicting classifications (1 of 4 stars). 2 submissions from 2 submitters: Uncertain significance (1); Likely benign (1). Last evaluated 2026-05-22.

Conditions:
Tumor predisposition syndrome 3 (TPDS3). Also called: Melanoma, cutaneous malignant, susceptibility to, 10; LONG TELOMERE SYNDROME, POT1-RELATED; POT1 Tumor Predisposition; Glioma susceptibility 9. Identifiers: Orphanet 618, MedGen C4014476, MONDO:0014368, OMIM 615848.
Hereditary cancer-predisposing syndrome. Also called: Tumor predisposition; Hereditary Cancer Syndrome; Hereditary neoplastic syndrome; Neoplastic Syndromes, Hereditary. Identifiers: Orphanet 140162, MedGen C0027672, MeSH D009386, MONDO:0015356.

Submissions (2):

Ambry Genetics
Classification: Likely benign for Hereditary cancer-predisposing syndrome. Last evaluated: 2026-05-22. Review status: criteria provided, single submitter. Criteria: Ambry Variant Classification Scheme 2023. Collection method: clinical testing. Allele origin: germline.

Labcorp Genetics (formerly Invitae), Labcorp
Classification: Uncertain significance for Tumor predisposition syndrome 3. Last evaluated: 2023-02-16. Review status: criteria provided, single submitter. Criteria: Invitae Variant Classification Sherloc (09022015). Collection method: clinical testing. Allele origin: germline.
Comment: This sequence change affects codon 433 of the POT1 mRNA. It is a 'silent' change, meaning that it does not change the encoded amino acid sequence of the POT1 protein. This variant is present in population databases (no rsID available, gnomAD 0.007%). This variant has not been reported in the literature in individuals affected with POT1-related conditions. Algorithms developed to predict the effect of sequence changes on RNA splicing suggest that this variant may create or strengthen a splice site. In summary, the available evidence is currently insufficient to determine the role of this variant in disease. Therefore, it has been classified as a Variant of Uncertain Significance.

NM_015450.3(POT1):c.1299A>G (p.Lys433=)

Gene: POT1 (protection of telomeres 1; minus strand). Cytogenetic location: 7q31.33.
Variant type: single nucleotide variant.
Coding change: c.1299A>G on transcript NM_015450.3 (MANE Select); coding-DNA position 1299, A replaced by G.
Protein change: p.Lys433=; no amino-acid change (lysine 433 retained).
Molecular consequence: synonymous variant. On other transcripts: non-coding transcript variant (3).
Genome position (GRCh38, 1-based): chr7:124,841,043, T>C on the plus strand (A>G on the coding strand, the complement: POT1 is on the minus strand). VCF-style: chr7-124841043-T-C. GRCh37 (hg19) VCF-style: chr7-124481097-T-C.
Other names: c.906A>G, p.Lys302= (NM_001042594.2); c.1299A>G (NM_015450.2).
Identifiers: ClinVar variation 2194139 (VCV002194139.5), dbSNP rs1219744946, ClinGen allele CA457482809.
Genomic context (GRCh38, chr7:124,841,043, plus strand): 5'-AAGTAGACATTCATTTGAAAGCGGGAGAATACCATTATTTTTCACAAAATGAACTGCTAC[T>C]TTTCGTCCTTTTTGATTTTTAGTGGTCCAGATTTTTGAATCATATAATGATGTATTTTGT-3'
Protein context (NP_056265.2, residues 423-443): IWTTKNQKGR[Lys433=]VAVHFVKNNG